The following is an entry in ClinVar:

ClinVar aggregate classification (germline): Pathogenic (1 of 4 stars; one submission).

Submission:

Labcorp Genetics (formerly Invitae), Labcorp
Classification: Pathogenic. Last evaluated: 2023-12-21. Review status: criteria provided, single submitter. Criteria: Invitae Variant Classification Sherloc (09022015). Collection method: clinical testing. Allele origin: germline.
Comment: This sequence change creates a premature translational stop signal (p.Lys496*) in the CTNNB1 gene. It is expected to result in an absent or disrupted protein product. Loss-of-function variants in CTNNB1 are known to be pathogenic (PMID: 23033978, 24614104, 25326669, 26350204, 28575650). This variant is not present in population databases (gnomAD no frequency). This variant has not been reported in the literature in individuals affected with CTNNB1-related conditions. For these reasons, this variant has been classified as Pathogenic.

Literature cited by the submitters: PubMed 23033978; PubMed 24614104; PubMed 25326669; PubMed 26350204; PubMed 28575650.

NM_001904.4(CTNNB1):c.1486A>T (p.Lys496Ter)

Genes: CTNNB1 (catenin beta 1; plus strand), LOC126806659 (BRD4-independent group 4 enhancer GRCh37_chr3:41274918-41276117; plus strand). Cytogenetic location: 3p22.1.
Variant type: single nucleotide variant.
Coding change: c.1486A>T on transcript NM_001904.4 (MANE Select); coding-DNA position 1486, A replaced by T.
Protein change: p.Lys496Ter; replaces lysine 496 with a stop codon.
Molecular consequence: nonsense.
Genome position (GRCh38, 1-based): chr3:41,233,829, A>T. VCF-style: chr3-41233829-A-T. GRCh37 (hg19) VCF-style: chr3-41275320-A-T.
Other names: c.1486A>T, p.Lys496Ter (NM_001098209.2, NM_001098210.2); c.1465A>T, p.Lys489Ter (NM_001330729.2); short protein forms K489*, K496*.
Identifiers: ClinVar variation 2701941 (VCV002701941.3), dbSNP rs2125640705, ClinGen allele CA352233783.